The following is an entry in ClinVar:

NM_003978.5(PSTPIP1):c.67G>A (p.Glu23Lys)

Gene: PSTPIP1 (proline-serine-threonine phosphatase interacting protein 1; plus strand). Cytogenetic location: 15q24.3.
Variant type: single nucleotide variant.
Coding change: c.67G>A on transcript NM_003978.5 (MANE Select); coding-DNA position 67, G replaced by A.
Protein change: p.Glu23Lys; replaces glutamic acid 23 with lysine.
Molecular consequence: missense variant. On other transcripts: non-coding transcript variant (1).
Genome position (GRCh38, 1-based): chr15:77,018,178, G>A. VCF-style: chr15-77018178-G-A. GRCh37 (hg19) VCF-style: chr15-77310519-G-A.
Other names: c.67G>A, p.Glu23Lys (NM_001321135.2, NM_001411086.1); c.40G>A, p.Glu14Lys (NM_001321136.2); c.262G>A, p.Glu88Lys (NM_001321137.1); short protein forms E14K, E88K, E23K.
Identifiers: ClinVar variation 3701035 (VCV003701035.2).
Genomic context (GRCh38, chr15:77,018,178, plus strand): 5'-CCTCATGTGTCCTTCTGTCCTGTGTCACAGTGCAGGGACTTCACAGCCCACACGGGCTAC[G>A]AGGTGCTGCTGCAGCGGCTTCTGGATGGCAGGAAGATGTGCAAAGACATGGAGGAGCTAC-3'
Protein context (NP_003969.2, residues 13-33): CRDFTAHTGY[Glu23Lys]VLLQRLLDGR

ClinVar aggregate classification (germline): Uncertain significance (1 of 4 stars; one submission).

Conditions:
Pyogenic arthritis-pyoderma gangrenosum-acne syndrome (PAPA). Also called: PAPA SYNDROME; FAMILIAL RECURRENT ARTHRITIS. Identifiers: Orphanet 69126, MedGen C1858361, MONDO:0011462, OMIM 604416.

gnomAD v4.1: 5 of 1,589,722 alleles (0.00031%); highest among the groups gnomAD compares: Non-Finnish European, 0.00043%; no homozygotes.

Submission:

Labcorp Genetics (formerly Invitae), Labcorp
Classification: Uncertain significance for Pyogenic arthritis-pyoderma gangrenosum-acne syndrome. Last evaluated: 2024-08-28. Review status: criteria provided, single submitter. Criteria: Invitae Variant Classification Sherloc (09022015). Collection method: clinical testing. Allele origin: germline.
Comment: This sequence change replaces glutamic acid, which is acidic and polar, with lysine, which is basic and polar, at codon 23 of the PSTPIP1 protein (p.Glu23Lys). This variant is not present in population databases (gnomAD no frequency). This variant has not been reported in the literature in individuals affected with PSTPIP1-related conditions. Invitae Evidence Modeling of protein sequence and biophysical properties (such as structural, functional, and spatial information, amino acid conservation, physicochemical variation, residue mobility, and thermodynamic stability) indicates that this missense variant is not expected to disrupt PSTPIP1 protein function with a negative predictive value of 80%. In summary, the available evidence is currently insufficient to determine the role of this variant in disease. Therefore, it has been classified as a Variant of Uncertain Significance.